The following is an entry in ClinVar:

NM_032119.4(ADGRV1):c.15454C>T (p.Pro5152Ser)

Gene: ADGRV1 (adhesion G protein-coupled receptor V1; plus strand). Cytogenetic location: 5q14.3.
Variant type: single nucleotide variant.
Coding change: c.15454C>T on transcript NM_032119.4 (MANE Select); coding-DNA position 15454, C replaced by T.
Protein change: p.Pro5152Ser; replaces proline 5152 with serine.
Molecular consequence: missense variant. On other transcripts: non-coding transcript variant (1).
Genome position (GRCh38, 1-based): chr5:90,810,714, C>T. VCF-style: chr5-90810714-C-T. GRCh37 (hg19) VCF-style: chr5-90106531-C-T.
Other names: c.15454C>T (NM_032119.3); short protein forms P5152S.
Identifiers: ClinVar variation 1448784 (VCV001448784.7), dbSNP rs755187931, ClinGen allele CA3341925.

ClinVar aggregate classification (germline): Uncertain significance. Review status: criteria provided, multiple submitters, no conflicts (2 of 4 stars). 3 submissions from 3 submitters: Uncertain significance (3). Last evaluated 2025-03-18.

Conditions:
Inborn genetic diseases. Identifiers: MedGen C0950123, MeSH D030342.

Allele frequency attached by ClinVar (database versions not stated): gnomAD exomes 0.00002 and below 0.00001; ExAC 0.00003; gnomAD 0.00001; TOPMed 0.00001.
gnomAD v4.1: 10 of 1,613,692 alleles (0.00062%); highest among the groups gnomAD compares: Middle Eastern, 0.099%; no homozygotes.

Submissions (3):

Ambry Genetics
Classification: Uncertain significance for Inborn genetic diseases. Last evaluated: 2025-03-18. Review status: criteria provided, single submitter. Criteria: Ambry Variant Classification Scheme 2023. Collection method: clinical testing. Allele origin: germline.

GeneDx
Classification: Uncertain significance. Last evaluated: 2025-02-03. Review status: criteria provided, single submitter. Criteria: GeneDx Variant Classification Process June 2021. Collection method: clinical testing. Allele origin: germline. Affected: yes.
Comment: Not observed at significant frequency in large population cohorts (gnomAD); In silico analysis indicates that this missense variant does not alter protein structure/function; Has not been previously published as pathogenic or benign to our knowledge

Labcorp Genetics (formerly Invitae), Labcorp
Classification: Uncertain significance. Last evaluated: 2022-02-10. Review status: criteria provided, single submitter. Criteria: Invitae Variant Classification Sherloc (09022015). Collection method: clinical testing. Allele origin: germline.
Comment: This sequence change replaces proline, which is neutral and non-polar, with serine, which is neutral and polar, at codon 5152 of the ADGRV1 protein (p.Pro5152Ser). This variant is present in population databases (rs755187931, gnomAD 0.004%). This variant has not been reported in the literature in individuals affected with ADGRV1-related conditions. Algorithms developed to predict the effect of missense changes on protein structure and function output the following: SIFT: "Tolerated"; PolyPhen-2: "Benign"; Align-GVGD: "Class C0". The serine amino acid residue is found in multiple mammalian species, which suggests that this missense change does not adversely affect protein function. In summary, the available evidence is currently insufficient to determine the role of this variant in disease. Therefore, it has been classified as a Variant of Uncertain Significance.